The following is an entry in ClinVar:

ClinVar aggregate classification (germline): Conflicting classifications of pathogenicity. Review status: criteria provided, conflicting classifications (1 of 4 stars). 10 submissions from 10 submitters: Uncertain significance (1); Likely benign (5). 4 of the submissions do not count toward it. Last evaluated 2026-06-01.

Conditions:
PDZD7-related disorder. Also called: PDZD7-related disorders; PDZD7-related condition.

Allele frequency attached by ClinVar (database versions not stated): 1000 Genomes Project 0.00020; 1000 Genomes Project 30x 0.00047; ESP Exome Variant Server 0.00127; gnomAD 0.00171 and 0.00176; TOPMed 0.00173; gnomAD exomes 0.00181 and 0.00259; ExAC 0.00353.
gnomAD v4.1: 3,849 of 1,537,280 alleles (0.25%); highest among the groups gnomAD compares: Non-Finnish European, 0.29%; 11 homozygotes.

Submissions (10):

CeGaT Center for Human Genetics Tuebingen
Classification: Likely benign. Last evaluated: 2026-06-01. Review status: criteria provided, single submitter. Criteria: CeGaT Center For Human Genetics Tuebingen Variant Classification Criteria Version 2. Collection method: clinical testing. Allele origin: germline. Affected: yes. Observed: 3 variant alleles.
Comment: PDZD7: BS2

Labcorp Genetics (formerly Invitae), Labcorp
Classification: Likely benign. Last evaluated: 2026-02-04. Review status: criteria provided, single submitter. Criteria: Invitae Variant Classification Sherloc (09022015). Collection method: clinical testing. Allele origin: germline.

Blueprint Genetics
Classification: Likely benign. Last evaluated: 2024-11-26. Review status: criteria provided, single submitter. Criteria: ACMG Guidelines, 2015. Collection method: clinical testing. Allele origin: germline.

GeneDx
Classification: Likely benign. Last evaluated: 2021-02-04. Review status: criteria provided, single submitter. Criteria: GeneDx Variant Classification Process June 2021. Collection method: clinical testing. Allele origin: germline. Affected: yes.
Comment: Identified previously in a patient with retinitis pigmentosa; however, the patient harbored multiple variants in other genes and the S324N variant was not noted to segregate with disease in the family (Borrs et al., 2013); In silico analysis, which includes protein predictors and evolutionary conservation, supports that this variant does not alter protein structure/function; This variant is associated with the following publications: (PMID: 23534816)

Athena Diagnostics
Classification: Likely benign. Last evaluated: 2019-09-30. Review status: criteria provided, single submitter. Criteria: Athena Diagnostics Criteria. Collection method: clinical testing. Allele origin: unknown.

Laboratory for Molecular Medicine, Mass General Brigham Personalized Medicine
Classification: Uncertain significance. Last evaluated: 2013-08-16. Review status: criteria provided, single submitter. Criteria: LMM Criteria. Collection method: clinical testing. Allele origin: germline. Observed: 1 variant allele.
Comment: Variant classified as Uncertain Significance - Favor Benign.

PreventionGenetics, part of Exact Sciences
Classification: Likely benign for PDZD7-related condition. Last evaluated: 2022-05-15. Review status: no assertion criteria provided. Collection method: clinical testing. Allele origin: germline. Not counted in ClinVar's aggregate classification.
Comment: This variant is classified as likely benign based on ACMG/AMP sequence variant interpretation guidelines (Richards et al. 2015 PMID: 25741868, with internal and published modifications).

Clinical Genetics DNA and cytogenetics Diagnostics Lab, Erasmus MC, Erasmus Medical Center
Classification: Uncertain significance. Review status: no assertion criteria provided. Collection method: clinical testing. Allele origin: germline. Affected: yes. Study: VKGL Data-share Consensus. Not counted in ClinVar's aggregate classification.

Clinical Genetics, Academic Medical Center
Classification: Uncertain significance. Review status: no assertion criteria provided. Collection method: clinical testing. Allele origin: germline. Affected: yes. Study: VKGL Data-share Consensus. Not counted in ClinVar's aggregate classification.

Laboratory of Diagnostic Genome Analysis, Leiden University Medical Center (LUMC)
Classification: Uncertain significance. Review status: no assertion criteria provided. Collection method: clinical testing. Allele origin: germline. Affected: yes. Study: VKGL Data-share Consensus. Not counted in ClinVar's aggregate classification.

NM_001195263.2(PDZD7):c.971G>A (p.Ser324Asn)

Gene: PDZD7 (PDZ domain containing 7; minus strand). Cytogenetic location: 10q24.31.
Variant type: single nucleotide variant.
Coding change: c.971G>A on transcript NM_001195263.2 (MANE Select); coding-DNA position 971, G replaced by A.
Protein change: p.Ser324Asn; replaces serine 324 with asparagine.
Molecular consequence: missense variant.
Genome position (GRCh38, 1-based): chr10:101,019,175, C>T on the plus strand (G>A on the coding strand, the complement: PDZD7 is on the minus strand). VCF-style: chr10-101019175-C-T. GRCh37 (hg19) VCF-style: chr10-102778932-C-T.
Other names: c.971G>A, p.Ser324Asn (NM_001351044.2, NM_024895.5); short protein forms S324N.
Identifiers: ClinVar variation 164942 (VCV000164942.28), dbSNP rs200592310, ClinGen allele CA177622.